The following is an entry in ClinVar:

ClinVar aggregate classification (germline): Benign. Review status: criteria provided, multiple submitters, no conflicts (2 of 4 stars). 4 submissions from 4 submitters: Benign (4). Last evaluated 2024-07-31.

Conditions:
Dyskinesia with orofacial involvement, autosomal dominant (DSKOD). Also called: Familial dyskinesia and facial myokymia; Familial Dyskinesia with Facial Myokymia (FDFM); Dyskinesia, familial, with facial myokymia. Identifiers: Orphanet 324588, MedGen C1847627, MONDO:0800028, OMIM 606703.

Allele frequency attached by ClinVar (database versions not stated): 1000 Genomes Project 0.44169; 1000 Genomes Project 30x 0.44238; TOPMed 0.51599; gnomAD exomes 0.51733 and 0.55812; ExAC 0.52703; gnomAD 0.53192 and 0.53743; ESP Exome Variant Server 0.55444.
gnomAD v4.1: 893,151 of 1,608,132 alleles (56%); highest among the groups gnomAD compares: Non-Finnish European, 58%; 252,462 homozygotes.

Submissions (4):

Unidad de Genómica Garrahan, Hospital de Pediatría Garrahan
Classification: Benign. Last evaluated: 2024-07-31. Review status: criteria provided, single submitter. Criteria: ACMG Guidelines, 2015. Collection method: clinical testing. Allele origin: germline. Affected: no. Observed: 63 variant alleles.
Comment: This variant is classified as Benign based on local population frequency. This variant was detected in 68% of patients studied in a panel designed for Epileptic and Developmental Encephalopathy, Progressive Myoclonus Epilepsy and Abnormal Movements and Neurodegeneration with brain iron accumulation. Number of patients: 63. Only high quality variants are reported.

Genome-Nilou Lab
Classification: Benign for Dyskinesia with orofacial involvement, autosomal dominant. Last evaluated: 2021-07-14. Review status: criteria provided, single submitter. Criteria: ACMG Guidelines, 2015. Collection method: clinical testing. Allele origin: germline. Affected: no.

GeneDx
Classification: Benign. Last evaluated: 2018-07-05. Review status: criteria provided, single submitter. Criteria: GeneDx Variant Classification Process June 2021. Collection method: clinical testing. Allele origin: germline. Affected: yes.

Breakthrough Genomics
Classification: Benign. Review status: criteria provided, single submitter. Criteria: ACMG Guidelines, 2015. Collection method: not provided. Allele origin: germline. Inheritance: Autosomal recessive inheritance. Affected: yes.

NM_183357.3(ADCY5):c.2724+32C>G

Gene: ADCY5 (adenylate cyclase 5; minus strand). Cytogenetic location: 3q21.1.
Variant type: single nucleotide variant.
Coding change: c.2724+32C>G on transcript NM_183357.3 (MANE Select); 32 bases into the intron after coding-DNA position 2724, C replaced by G.
Molecular consequence: intron variant.
Genome position (GRCh38, 1-based): chr3:123,303,023, G>C on the plus strand (C>G on the coding strand, the complement: ADCY5 is on the minus strand). VCF-style: chr3-123303023-G-C. GRCh37 (hg19) VCF-style: chr3-123021870-G-C.
Other names: c.2724+32C>G (NM_001378259.1); c.1674+32C>G (NM_001199642.1).
Identifiers: ClinVar variation 1189007 (VCV001189007.8), dbSNP rs9844212, ClinGen allele CA2577013.
Genomic context (GRCh38, chr3:123,303,023, plus strand): 5'-TGTCCTTCAGACTGTCCTGAGCAGCTGCAGTGACAGTGGGGGAGGGCAAGGGACTCTTCA[G>C]CACTCCCTTCCAGCCCCTGTGCACCCAGTACCTCGGGGAAGTTGCAGTTGGGCCAGGGGC-3'